The following is an entry in ClinVar:

NM_000548.5(TSC2):c.4358C>T (p.Pro1453Leu)

Gene: TSC2 (TSC complex subunit 2; plus strand). Cytogenetic location: 16p13.3.
Variant type: single nucleotide variant.
Coding change: c.4358C>T on transcript NM_000548.5 (MANE Select); coding-DNA position 4358, C replaced by T.
Protein change: p.Pro1453Leu; replaces proline 1453 with leucine.
Molecular consequence: missense variant.
Genome position (GRCh38, 1-based): chr16:2,084,580, C>T. VCF-style: chr16-2084580-C-T. GRCh37 (hg19) VCF-style: chr16-2134581-C-T.
Other names: c.4157C>T, p.Pro1386Leu (NM_001077183.3); c.4289C>T, p.Pro1430Leu (NM_001114382.3); c.4049C>T, p.Pro1350Leu (NM_001318827.2); c.4013C>T, p.Pro1338Leu (NM_001318829.2); c.3626C>T, p.Pro1209Leu (NM_001318831.2); c.4190C>T, p.Pro1397Leu (NM_001318832.2); c.4160C>T, p.Pro1387Leu (NM_001363528.2); c.4226C>T, p.Pro1409Leu (NM_001370404.1); and 26 more; short protein forms P1186L, P1338L, P1367L, P1382L, P1452L, P852L, P939L, P982L.
Identifiers: ClinVar variation 1739974 (VCV001739974.9), dbSNP rs748182471, ClinGen allele CA050977.
Genomic context (GRCh38, chr16:2,084,580, plus strand): 5'-CGGGCGAAGACAGTCGGGGCCAGCCCGAGGGTCCCTTGCCTTCCAGCTCCCCCCGCTCGC[C>T]CAGTGGCCTCCGGCCCCGAGGTTACACCATCTCCGACTCGGCCCCATCACGCAGGGGCAA-3'
Protein context (NP_000539.2, residues 1443-1463): GPLPSSSPRS[Pro1453Leu]SGLRPRGYTI

ClinVar aggregate classification (germline): Conflicting classifications of pathogenicity. Review status: criteria provided, conflicting classifications (1 of 4 stars). 3 submissions from 3 submitters: Uncertain significance (1); Benign (1); Likely benign (1). Last evaluated 2025-11-17.

Conditions:
Hereditary cancer-predisposing syndrome. Also called: Neoplastic Syndromes, Hereditary; Tumor predisposition; Hereditary Cancer Syndrome; Hereditary neoplastic syndrome. Identifiers: Orphanet 140162, MedGen C0027672, MeSH D009386, MONDO:0015356.
Tuberous sclerosis 2 (TSC2). Identifiers: Orphanet 805, MedGen C1860707, MONDO:0013199, OMIM 613254.

Allele frequency attached by ClinVar (database versions not stated): TOPMed below 0.00001; gnomAD exomes 0.00001; ExAC 0.00004.
gnomAD v4.1: 6 of 1,606,488 alleles (0.00037%); highest among the groups gnomAD compares: South Asian, 0.0055%; no homozygotes.

Submissions (3):

Labcorp Genetics (formerly Invitae), Labcorp
Classification: Benign for Tuberous sclerosis 2. Last evaluated: 2025-11-17. Review status: criteria provided, single submitter. Criteria: Invitae Variant Classification Sherloc (09022015). Collection method: clinical testing. Allele origin: germline.

Ambry Genetics
Classification: Uncertain significance for Hereditary cancer-predisposing syndrome. Last evaluated: 2024-09-11. Review status: criteria provided, single submitter. Criteria: Ambry Variant Classification Scheme 2023. Collection method: clinical testing. Allele origin: germline.
Comment: The p.P1453L variant (also known as c.4358C>T), located in coding exon 33 of the TSC2 gene, results from a C to T substitution at nucleotide position 4358. The proline at codon 1453 is replaced by leucine, an amino acid with similar properties. This amino acid position is highly conserved in available vertebrate species. In addition, this alteration is predicted to be deleterious by in silico analysis. Based on the available evidence, the clinical significance of this variant remains unclear.

Myriad Genetics, Inc.
Classification: Likely benign for Tuberous sclerosis 2. Last evaluated: 2024-08-20. Review status: criteria provided, single submitter. Criteria: Myriad Autosomal Dominant, Autosomal Recessive and X-Linked Classification Criteria (2023). Collection method: clinical testing. Allele origin: unknown.
Comment: This variant is considered likely benign. This variant has been observed at a population frequency that is significantly greater than expected given the associated disease prevalence and penetrance.